The following is an entry in ClinVar:

ClinVar aggregate classification (germline): Likely benign (1 of 4 stars; one submission).

gnomAD v4.1: 9 of 1,608,666 alleles (0.00056%); highest among the groups gnomAD compares: Middle Eastern, 0.067%; no homozygotes.

Submission:

CeGaT Center for Human Genetics Tuebingen
Classification: Likely benign. Last evaluated: 2026-06-01. Review status: criteria provided, single submitter. Criteria: CeGaT Center For Human Genetics Tuebingen Variant Classification Criteria Version 2. Collection method: clinical testing. Allele origin: germline. Affected: yes. Observed: 1 variant allele.
Comment: MUC5B: BP4, BP7

NM_002458.3(MUC5B):c.13164G>C (p.Thr4388=)

Gene: MUC5B (mucin 5B, oligomeric mucus/gel-forming; plus strand). Cytogenetic location: 11p15.5.
Variant type: single nucleotide variant.
Coding change: c.13164G>C on transcript NM_002458.3 (MANE Select); coding-DNA position 13164, G replaced by C.
Protein change: p.Thr4388=; no amino-acid change (threonine 4388 retained).
Molecular consequence: synonymous variant.
Genome position (GRCh38, 1-based): chr11:1,250,044, G>C. VCF-style: chr11-1250044-G-C. GRCh37 (hg19) VCF-style: chr11-1271274-G-C.
Identifiers: ClinVar variation 4872186 (VCV004872186.2).
Genomic context (GRCh38, chr11:1,250,044, plus strand): 5'-GAAGGCCACCACGACAAGGGCCACCAGTTCCACGTCCACCCCCTCCTCCACTCCGGGGAC[G>C]ACCTGGATCCTCACAGAGCTGACCACAGCAGCCACTACAACTGCAGCCACTGGCCCCACG-3'
Protein context (NP_002449.2, residues 4378-4398): STSTPSSTPG[Thr4388=]TWILTELTTA